The following is an entry in ClinVar:

NM_024675.4(PALB2):c.3409A>C (p.Ile1137Leu)

Gene: PALB2 (partner and localizer of BRCA2; minus strand). Cytogenetic location: 16p12.2.
Variant type: single nucleotide variant.
Coding change: c.3409A>C on transcript NM_024675.4 (MANE Select); coding-DNA position 3409, A replaced by C.
Protein change: p.Ile1137Leu; replaces isoleucine 1137 with leucine.
Molecular consequence: missense variant.
Genome position (GRCh38, 1-based): chr16:23,603,611, T>G on the plus strand (A>C on the coding strand, the complement: PALB2 is on the minus strand). VCF-style: chr16-23603611-T-G. GRCh37 (hg19) VCF-style: chr16-23614932-T-G.
Other names: c.3349A>C, p.Ile1117Leu (NM_001407296.1); c.3337A>C, p.Ile1113Leu (NM_001407297.1); c.3247A>C, p.Ile1083Leu (NM_001407298.1); c.3172A>C, p.Ile1058Leu (NM_001407299.1); c.3130A>C, p.Ile1044Leu (NM_001407300.1); c.*44A>C (NM_001407301.1, NM_001407302.1, NM_001407310.1 and 2 more transcripts); c.2524A>C, p.Ile842Leu (NM_001407304.1, NM_001407305.1, NM_001407306.1); c.2362A>C, p.Ile788Leu (NM_001407307.1); and 3 more; short protein forms I1058L, I315L, I1044L, I1083L, I1113L, I1137L, I788L, I1117L.
Identifiers: ClinVar variation 1731145 (VCV001731145.5), dbSNP rs2142254480, ClinGen allele CA395138232.

ClinVar aggregate classification (germline): Uncertain significance. Review status: criteria provided, multiple submitters, no conflicts (2 of 4 stars). 2 submissions from 2 submitters: Uncertain significance (2). Last evaluated 2024-11-25.

Conditions:
Hereditary cancer-predisposing syndrome. Also called: Neoplastic Syndromes, Hereditary; Tumor predisposition; Hereditary Cancer Syndrome; Hereditary neoplastic syndrome. Identifiers: Orphanet 140162, MedGen C0027672, MeSH D009386, MONDO:0015356.
Familial cancer of breast. Also called: BREAST CANCER, FAMILIAL; Hereditary breast cancer; hereditary breast carcinoma. Identifiers: Orphanet 227535, MedGen C0346153, MONDO:0016419, OMIM 114480. Disease mechanism: loss of function.

Submissions (2):

Ambry Genetics
Classification: Uncertain significance for Hereditary cancer-predisposing syndrome. Last evaluated: 2024-11-25. Review status: criteria provided, single submitter. Criteria: Ambry Variant Classification Scheme 2023. Collection method: clinical testing. Allele origin: germline.
Comment: The p.I1137L variant (also known as c.3409A>C), located in coding exon 13 of the PALB2 gene, results from an A to C substitution at nucleotide position 3409. The isoleucine at codon 1137 is replaced by leucine, an amino acid with highly similar properties. This amino acid position is conserved. In addition, this alteration is predicted to be tolerated by in silico analysis. Since supporting evidence is limited at this time, the clinical significance of this alteration remains unclear.

Labcorp Genetics (formerly Invitae), Labcorp
Classification: Uncertain significance for Familial cancer of breast. Last evaluated: 2024-11-16. Review status: criteria provided, single submitter. Criteria: Invitae Variant Classification Sherloc (09022015). Collection method: clinical testing. Allele origin: germline.
Comment: This sequence change replaces isoleucine, which is neutral and non-polar, with leucine, which is neutral and non-polar, at codon 1137 of the PALB2 protein (p.Ile1137Leu). This variant is not present in population databases (gnomAD no frequency). This variant has not been reported in the literature in individuals affected with PALB2-related conditions. ClinVar contains an entry for this variant (Variation ID: 1731145). An algorithm developed to predict the effect of missense changes on protein structure and function (PolyPhen-2) suggests that this variant is likely to be disruptive. In summary, the available evidence is currently insufficient to determine the role of this variant in disease. Therefore, it has been classified as a Variant of Uncertain Significance.